The following is an entry in ClinVar:

NM_001110556.2(FLNA):c.5218-6C>T

Gene: FLNA (filamin A; minus strand). Cytogenetic location: Xq28.
Variant type: single nucleotide variant.
Coding change: c.5218-6C>T on transcript NM_001110556.2 (MANE Select); 6 bases into the intron before coding-DNA position 5218, C replaced by T.
Molecular consequence: intron variant.
Genome position (GRCh38, 1-based): chrX:154,354,717, G>A on the plus strand (C>T on the coding strand, the complement: FLNA is on the minus strand). VCF-style: chrX-154354717-G-A. GRCh37 (hg19) VCF-style: chrX-153583085-G-A.
Other names: c.5194-6C>T (NM_001456.4).
Identifiers: ClinVar variation 2661792 (VCV002661792.24), dbSNP rs2067649213, ClinGen allele CA1138586211.

ClinVar aggregate classification (germline): Likely benign (1 of 4 stars; one submission).

Allele frequency attached by ClinVar (database versions not stated): TOPMed below 0.00001; gnomAD 0.00001; gnomAD exomes 0.00001.
gnomAD v4.1: 4 of 1,207,002 alleles (0.00033%); highest among the groups gnomAD compares: Non-Finnish European, 0.00045%; no homozygotes.

Submission:

CeGaT Center for Human Genetics Tuebingen
Classification: Likely benign. Last evaluated: 2023-01-01. Review status: criteria provided, single submitter. Criteria: CeGaT Center For Human Genetics Tuebingen Variant Classification Criteria Version 2. Collection method: clinical testing. Allele origin: germline. Affected: yes. Observed: 1 variant allele.
Comment: FLNA: BP4